The following is an entry in ClinVar:

ClinVar aggregate classification (germline): Uncertain significance (1 of 4 stars; one submission).

Conditions:
Aicardi-Goutieres syndrome 7 (AGS7). Identifiers: Orphanet 51, MedGen C3888244, MONDO:0014367, OMIM 615846.
Singleton-Merten syndrome 1 (SGMRT1). Also called: Widened medullary cavities of bone, aortic calcification, abnormal dentition, and muscular weakness; Syndrome of widened medullary cavities of the metacarpals and phalanges, aortic calcification and abnormal dentition. Identifiers: Orphanet 85191, MedGen C4225427, MONDO:0024535, OMIM 182250.

Submission:

Labcorp Genetics (formerly Invitae), Labcorp
Classification: Uncertain significance for Aicardi-Goutieres syndrome 7; Singleton-Merten syndrome 1. Last evaluated: 2023-02-22. Review status: criteria provided, single submitter. Criteria: Invitae Variant Classification Sherloc (09022015). Collection method: clinical testing. Allele origin: germline.
Comment: This variant is not present in population databases (gnomAD no frequency). This variant results in the deletion of part of exon 1 (c.448_453+39del) of the IFIH1 gene. It is expected to disrupt RNA splicing. Variants that disrupt the donor or acceptor splice site typically lead to a loss of protein function (PMID: 16199547), however the current clinical and genetic evidence is not sufficient to establish whether loss-of-function variants in IFIH1 cause disease. This variant has not been reported in the literature in individuals affected with IFIH1-related conditions. In summary, the available evidence is currently insufficient to determine the role of this variant in disease. Therefore, it has been classified as a Variant of Uncertain Significance. Algorithms developed to predict the effect of sequence changes on RNA splicing suggest that this variant may disrupt the consensus splice site.

Literature cited by the submitters: PubMed 16199547.

NM_022168.4(IFIH1):c.448_453+39del

Gene: IFIH1 (interferon induced with helicase C domain 1; minus strand). Cytogenetic location: 2q24.2.
Variant type: Deletion.
Coding change: c.448_453+39del on transcript NM_022168.4 (MANE Select); coding-DNA position 448 through 39 bases into the intron after coding-DNA position 453, 45 bases deleted.
Molecular consequence: splice donor variant.
Genome position (GRCh38, 1-based): chr2:162,317,816-162,317,860, 45 bases deleted; deleting any 45 consecutive bases within chr2:162,317,816-162,317,864 gives the same sequence; the c. name uses the placement nearest the transcript's 3' end. GRCh37 (hg19): chr2:163,174,330-163,174,374.
Identifiers: ClinVar variation 2944597 (VCV002944597.3), dbSNP rs2469005094, ClinGen allele CA2661690559.